The following is an entry in ClinVar:

ClinVar aggregate classification (germline): Uncertain significance (1 of 4 stars; one submission).

Conditions:
Mitochondrial DNA depletion syndrome 9 (MTDPS9). Also called: SUCLG1-Related Mitochondrial DNA Depletion Syndrome, Encephalomyopathic Form with Methylmalonic Aciduria. Identifiers: Orphanet 17, MedGen C3151476, MONDO:0009504, OMIM 245400.

Allele frequency attached by ClinVar (database versions not stated): ExAC 0.00001; gnomAD 0.00001; gnomAD exomes 0.00001; TOPMed 0.00002.
gnomAD v4.1: 5 of 1,614,084 alleles (0.00031%); highest among the groups gnomAD compares: African/African-American, 0.004%; no homozygotes.

Submission:

Labcorp Genetics (formerly Invitae), Labcorp
Classification: Uncertain significance for Mitochondrial DNA depletion syndrome 9. Last evaluated: 2022-08-08. Review status: criteria provided, single submitter. Criteria: Invitae Variant Classification Sherloc (09022015). Collection method: clinical testing. Allele origin: germline.
Comment: In summary, the available evidence is currently insufficient to determine the role of this variant in disease. Therefore, it has been classified as a Variant of Uncertain Significance. Algorithms developed to predict the effect of missense changes on protein structure and function output the following: SIFT: "Deleterious"; PolyPhen-2: "Benign"; Align-GVGD: "Class C25". The valine amino acid residue is found in multiple mammalian species, which suggests that this missense change does not adversely affect protein function. This variant has not been reported in the literature in individuals affected with SUCLG1-related conditions. This variant is present in population databases (rs769028246, gnomAD 0.003%). This sequence change replaces isoleucine, which is neutral and non-polar, with valine, which is neutral and non-polar, at codon 129 of the SUCLG1 protein (p.Ile129Val).

NM_003849.4(SUCLG1):c.385A>G (p.Ile129Val)

Gene: SUCLG1 (succinate-CoA ligase GDP/ADP-forming subunit alpha; minus strand). Cytogenetic location: 2p11.2.
Variant type: single nucleotide variant.
Coding change: c.385A>G on transcript NM_003849.4 (MANE Select); coding-DNA position 385, A replaced by G.
Protein change: p.Ile129Val; replaces isoleucine 129 with valine.
Molecular consequence: missense variant.
Genome position (GRCh38, 1-based): chr2:84,441,393, T>C on the plus strand (A>G on the coding strand, the complement: SUCLG1 is on the minus strand). VCF-style: chr2-84441393-T-C. GRCh37 (hg19) VCF-style: chr2-84668517-T-C.
Other names: short protein forms I129V.
Identifiers: ClinVar variation 2080552 (VCV002080552.4), dbSNP rs769028246, ClinGen allele CA1736316.